The following is an entry in ClinVar:

ClinVar aggregate classification (germline): Uncertain significance (1 of 4 stars; one submission).

Submission:

Labcorp Genetics (formerly Invitae), Labcorp
Classification: Uncertain significance. Last evaluated: 2022-08-18. Review status: criteria provided, single submitter. Criteria: Invitae Variant Classification Sherloc (09022015). Collection method: clinical testing. Allele origin: germline.
Comment: Algorithms developed to predict the effect of missense changes on protein structure and function are either unavailable or do not agree on the potential impact of this missense change (SIFT: "Not Available"; PolyPhen-2: "Benign"; Align-GVGD: "Not Available"). This variant has not been reported in the literature in individuals affected with NTHL1-related conditions. This variant is not present in population databases (gnomAD no frequency). This sequence change replaces threonine, which is neutral and polar, with serine, which is neutral and polar, at codon 232 of the NTHL1 protein (p.Thr232Ser). In summary, the available evidence is currently insufficient to determine the role of this variant in disease. Therefore, it has been classified as a Variant of Uncertain Significance.

NM_002528.7(NTHL1):c.671C>G (p.Thr224Ser)

Gene: NTHL1 (nth like DNA glycosylase 1; minus strand). Cytogenetic location: 16p13.3.
Variant type: single nucleotide variant.
Coding change: c.671C>G on transcript NM_002528.7 (MANE Select); coding-DNA position 671, C replaced by G.
Protein change: p.Thr224Ser; replaces threonine 224 with serine.
Molecular consequence: missense variant.
Genome position (GRCh38, 1-based): chr16:2,043,581, G>C on the plus strand (C>G on the coding strand, the complement: NTHL1 is on the minus strand). VCF-style: chr16-2043581-G-C. GRCh37 (hg19) VCF-style: chr16-2093582-G-C.
Other names: c.500C>G, p.Thr167Ser (NM_001318193.2); c.341C>G, p.Thr114Ser (NM_001318194.2); short protein forms T114S, T167S, T224S.
Identifiers: ClinVar variation 1716657 (VCV001716657.5), dbSNP rs1596219266, ClinGen allele CA394290905.